The following is an entry in ClinVar:

ClinVar aggregate classification (germline): Pathogenic. Review status: criteria provided, multiple submitters, no conflicts (2 of 4 stars). 2 submissions from 2 submitters: Pathogenic (2). Last evaluated 2024-08-29.

Conditions:
Familial cancer of breast. Also called: Hereditary breast cancer; BREAST CANCER, FAMILIAL; hereditary breast carcinoma. Identifiers: Orphanet 227535, MedGen C0346153, MONDO:0016419, OMIM 114480. Disease mechanism: loss of function.
Ataxia-telangiectasia syndrome (AT). Also called: ATAXIA-TELANGIECTASIA, COMPLEMENTATION GROUP A; ATAXIA-TELANGIECTASIA, FRESNO VARIANT; Ataxia-telangiectasia; Ataxia-telangiectasia, complementation group D; AT, COMPLEMENTATION GROUP C; Ataxia-telangiectasia, complementation group E. Identifiers: Orphanet 100, MedGen C0004135, MONDO:0008840, OMIM 208900.

Submissions (2):

Labcorp Genetics (formerly Invitae), Labcorp
Classification: Pathogenic for Ataxia-telangiectasia syndrome. Last evaluated: 2024-08-29. Review status: criteria provided, single submitter. Criteria: Invitae Variant Classification Sherloc (09022015). Collection method: clinical testing. Allele origin: germline.
Comment: This sequence change creates a premature translational stop signal (p.Tyr2129*) in the ATM gene. It is expected to result in an absent or disrupted protein product. Loss-of-function variants in ATM are known to be pathogenic (PMID: 23807571, 25614872). This variant is not present in population databases (gnomAD no frequency). This variant has not been reported in the literature in individuals affected with ATM-related conditions. ClinVar contains an entry for this variant (Variation ID: 860262). Algorithms developed to predict the effect of sequence changes on RNA splicing suggest that this variant may disrupt the consensus splice site. For these reasons, this variant has been classified as Pathogenic.

Myriad Genetics, Inc.
Classification: Pathogenic for Familial cancer of breast. Last evaluated: 2024-01-29. Review status: criteria provided, single submitter. Criteria: Myriad Autosomal Dominant, Autosomal Recessive and X-Linked Classification Criteria (2023). Collection method: clinical testing. Allele origin: unknown.
Comment: This variant is considered pathogenic. This variant creates a termination codon and is predicted to result in premature protein truncation.

Literature cited by the submitters: PubMed 23807571 (cited by Labcorp Genetics (formerly Invitae), Labcorp); PubMed 25614872 (cited by Labcorp Genetics (formerly Invitae), Labcorp).

NM_000051.4(ATM):c.6387C>G (p.Tyr2129Ter)

Genes: ATM (ATM serine/threonine kinase; plus strand), C11orf65 (chromosome 11 open reading frame 65; minus strand). Cytogenetic location: 11q22.3.
Variant type: single nucleotide variant.
Coding change: c.6387C>G on transcript NM_000051.4 (MANE Select); coding-DNA position 6387, C replaced by G.
Protein change: p.Tyr2129Ter; replaces tyrosine 2129 with a stop codon.
Molecular consequence: nonsense. On other transcripts: intron variant (2).
Genome position (GRCh38, 1-based): chr11:108,319,993, C>G. VCF-style: chr11-108319993-C-G. GRCh37 (hg19) VCF-style: chr11-108190720-C-G.
Other names: c.6387C>G, p.Tyr2129Ter (NM_001351834.2); c.641-10922G>C (NM_001330368.2); c.*39-10922G>C (NM_001351110.2); short protein forms Y2129*.
Identifiers: ClinVar variation 860262 (VCV000860262.9), dbSNP rs2085081161, ClinGen allele CA382553319.